The following is an entry in ClinVar:

NM_024642.5(GALNT12):c.1690C>T (p.Arg564Ter)

Gene: GALNT12 (polypeptide N-acetylgalactosaminyltransferase 12; plus strand). Cytogenetic location: 9q22.33.
Variant type: single nucleotide variant.
Coding change: c.1690C>T on transcript NM_024642.5 (MANE Select); coding-DNA position 1690, C replaced by T.
Protein change: p.Arg564Ter; replaces arginine 564 with a stop codon.
Molecular consequence: nonsense.
Genome position (GRCh38, 1-based): chr9:98,849,036, C>T. VCF-style: chr9-98849036-C-T. GRCh37 (hg19) VCF-style: chr9-101611318-C-T.
Other names: short protein forms R564*.
Identifiers: ClinVar variation 819856 (VCV000819856.8), dbSNP rs200145205, ClinGen allele CA196834041.

ClinVar aggregate classification (germline): Uncertain significance. Review status: criteria provided, multiple submitters, no conflicts (2 of 4 stars). 2 submissions from 2 submitters: Uncertain significance (2). Last evaluated 2026-08-25.

Allele frequency attached by ClinVar (database versions not stated): TOPMed 0.00001.
gnomAD v4.1: 11 of 1,614,040 alleles (0.00068%); highest among the groups gnomAD compares: Middle Eastern, 0.016%; no homozygotes.

Submissions (2):

Ambry Genetics
Classification: Uncertain significance. Last evaluated: 2026-08-25. Review status: criteria provided, single submitter. Criteria: Ambry Variant Classification Scheme 2023. Collection method: clinical testing. Allele origin: germline.
Comment: The p.R564* variant (also known as c.1690C>T), located in coding exon 10 of the GALNT12 gene, results from a C to T substitution at nucleotide position 1690. This changes the amino acid from an arginine to a stop codon within coding exon 10. This variant occurs at the 3' terminus of the gene and is not expected to trigger nonsense-mediated mRNA decay. The evidence for this gene-disease relationship is limited; therefore, the clinical significance of this variant is unclear.

Labcorp Genetics (formerly Invitae), Labcorp
Classification: Uncertain significance. Last evaluated: 2022-09-27. Review status: criteria provided, single submitter. Criteria: Invitae Variant Classification Sherloc (09022015). Collection method: clinical testing. Allele origin: germline.
Comment: In summary, the available evidence is currently insufficient to determine the role of this variant in disease. Therefore, it has been classified as a Variant of Uncertain Significance. Experimental studies and prediction algorithms are not available or were not evaluated, and the functional significance of this variant is currently unknown. ClinVar contains an entry for this variant (Variation ID: 819856). This variant has not been reported in the literature in individuals affected with GALNT12-related conditions. This variant is present in population databases (rs200145205, gnomAD 0.003%). This sequence change creates a premature translational stop signal (p.Arg564*) in the GALNT12 gene. While this is not anticipated to result in nonsense mediated decay, it is expected to disrupt the last 18 amino acid(s) of the GALNT12 protein.